The following is an entry in ClinVar:

ClinVar aggregate classification (germline): Uncertain significance (1 of 4 stars; one submission).

Submission:

Labcorp Genetics (formerly Invitae), Labcorp
Classification: Uncertain significance. Last evaluated: 2024-04-05. Review status: criteria provided, single submitter. Criteria: Invitae Variant Classification Sherloc (09022015). Collection method: clinical testing. Allele origin: germline.
Comment: This sequence change replaces leucine, which is neutral and non-polar, with proline, which is neutral and non-polar, at codon 391 of the PRDM13 protein (p.Leu391Pro). This variant is not present in population databases (gnomAD no frequency). This variant has not been reported in the literature in individuals affected with PRDM13-related conditions. An algorithm developed to predict the effect of missense changes on protein structure and function (PolyPhen-2) suggests that this variant is likely to be disruptive. In summary, the available evidence is currently insufficient to determine the role of this variant in disease. Therefore, it has been classified as a Variant of Uncertain Significance.

NM_021620.4(PRDM13):c.1172T>C (p.Leu391Pro)

Genes: PRDM13 (PR/SET domain 13; plus strand), LOC129996881 (ATAC-STARR-seq lymphoblastoid silent region 17422; plus strand). Cytogenetic location: 6q16.2.
Variant type: single nucleotide variant.
Coding change: c.1172T>C on transcript NM_021620.4 (MANE Select); coding-DNA position 1172, T replaced by C.
Protein change: p.Leu391Pro; replaces leucine 391 with proline.
Molecular consequence: missense variant.
Genome position (GRCh38, 1-based): chr6:99,613,807, T>C. VCF-style: chr6-99613807-T-C. GRCh37 (hg19) VCF-style: chr6-100061683-T-C.
Other names: short protein forms L391P.
Identifiers: ClinVar variation 3648904 (VCV003648904.2).